The following is an entry in ClinVar:

NM_001080.3(ALDH5A1):c.859A>G (p.Thr287Ala)

Gene: ALDH5A1 (aldehyde dehydrogenase 5 family member A1; plus strand). Cytogenetic location: 6p22.3.
Variant type: single nucleotide variant.
Coding change: c.859A>G on transcript NM_001080.3 (MANE Select); coding-DNA position 859, A replaced by G.
Protein change: p.Thr287Ala; replaces threonine 287 with alanine.
Molecular consequence: missense variant. On other transcripts: intron variant (1).
Genome position (GRCh38, 1-based): chr6:24,515,299, A>G. VCF-style: chr6-24515299-A-G. GRCh37 (hg19) VCF-style: chr6-24515527-A-G.
Other names: c.898A>G, p.Thr300Ala (NM_170740.1); c.727-5102A>G (NM_001368954.1); short protein forms T287A, T300A.
Identifiers: ClinVar variation 949066 (VCV000949066.12), dbSNP rs369156704, ClinGen allele CA3656765.
Genomic context (GRCh38, chr6:24,515,299, plus strand): 5'-GTAGGGGAGGCAATTTGTACTGATCCTCTGGTGTCCAAAATTTCCTTTACTGGTTCAACA[A>G]CTACAGGAAAGGTATGTGACTCAAGTTTCAAAGAAAACAAATGTCTTTCTAATATTTTAT-3'
Protein context (NP_001071.1, residues 277-297): VSKISFTGST[Thr287Ala]TGKILLHHAA

ClinVar aggregate classification (germline): Conflicting classifications of pathogenicity. Review status: criteria provided, conflicting classifications (1 of 4 stars). 2 submissions from 2 submitters: Uncertain significance (1); Likely benign (1). Last evaluated 2025-08-18.

Conditions:
Succinate-semialdehyde dehydrogenase deficiency (SSADHD). Also called: SSADH DEFICIENCY; 4-HYDROXYBUTYRIC ACIDURIA; GABA METABOLIC DEFECT; Succinic Semialdehyde Dehydrogenase Deficiency. Identifiers: Orphanet 22, MedGen C0268631, MONDO:0010083, OMIM 271980.

Allele frequency attached by ClinVar (database versions not stated): gnomAD exomes 0.00001 and 0.00004; ExAC 0.00007; ESP Exome Variant Server 0.00008; gnomAD 0.00011 and 0.00013; TOPMed 0.00014; 1000 Genomes Project 0.00020; 1000 Genomes Project 30x 0.00031.
gnomAD v4.1: 40 of 1,613,562 alleles (0.0025%); highest among the groups gnomAD compares: African/African-American, 0.045%; no homozygotes.

Submissions (2):

Labcorp Genetics (formerly Invitae), Labcorp
Classification: Likely benign for Succinate-semialdehyde dehydrogenase deficiency. Last evaluated: 2025-08-18. Review status: criteria provided, single submitter. Criteria: Invitae Variant Classification Sherloc (09022015). Collection method: clinical testing. Allele origin: germline.

GeneDx
Classification: Uncertain significance. Last evaluated: 2025-02-21. Review status: criteria provided, single submitter. Criteria: GeneDx Variant Classification Process June 2021. Collection method: clinical testing. Allele origin: germline. Affected: yes.
Comment: In silico analysis supports that this missense variant does not alter protein structure/function; Has not been previously published as pathogenic or benign to our knowledge